The following is an entry in ClinVar:

NM_138694.4(PKHD1):c.3097+1G>C

Gene: PKHD1 (PKHD1 ciliary IPT domain containing fibrocystin/polyductin; minus strand). Cytogenetic location: 6p12.2.
Variant type: single nucleotide variant.
Coding change: c.3097+1G>C on transcript NM_138694.4 (MANE Select); the canonical splice donor site of the intron after coding-DNA position 3097, G replaced by C.
Molecular consequence: splice donor variant.
Genome position (GRCh38, 1-based): chr6:52,042,858, C>G on the plus strand (G>C on the coding strand, the complement: PKHD1 is on the minus strand). VCF-style: chr6-52042858-C-G. GRCh37 (hg19) VCF-style: chr6-51907656-C-G.
Other names: c.3097+1G>C (NM_170724.3).
Identifiers: ClinVar variation 4816625 (VCV004816625.1).

ClinVar aggregate classification (germline): Likely pathogenic (1 of 4 stars; one submission).

Conditions:
Autosomal recessive polycystic kidney disease (ARPKD). Also called: AR polycystic kidney disease. Identifiers: Orphanet 731, Orphanet 8378, MedGen C0085548, MeSH D017044, MONDO:0009889.

Submission:

Natera, Inc.
Classification: Likely pathogenic for Autosomal recessive polycystic kidney disease. Last evaluated: 2025-08-22. Review status: criteria provided, single submitter. Criteria: Natera Variant Classification Schema (03/2026). Collection method: clinical testing. Allele origin: germline.
Comment: The c.3097+1G>C variant in PKHD1 is a canonical splice donor site variant predicted to affect pre-mRNA splicing, which may result in an abnormal transcript and altered protein product. This variant is expected to result in nonsense mediated decay, truncation, or a dysfunctional protein product. This variant is rare in the general population with a frequency below the threshold expected for the associated phenotype(s). Given the available evidence, this variant is classified as Likely Pathogenic.